The following is an entry in ClinVar:

NM_014915.3(ANKRD26):c.2279T>G (p.Val760Gly)

Gene: ANKRD26 (ankyrin repeat domain 26; minus strand). Cytogenetic location: 10p12.1.
Variant type: single nucleotide variant.
Coding change: c.2279T>G on transcript NM_014915.3 (MANE Select); coding-DNA position 2279, T replaced by G.
Protein change: p.Val760Gly; replaces valine 760 with glycine.
Molecular consequence: missense variant.
Genome position (GRCh38, 1-based): chr10:27,040,061, A>C on the plus strand (T>G on the coding strand, the complement: ANKRD26 is on the minus strand). VCF-style: chr10-27040061-A-C. GRCh37 (hg19) VCF-style: chr10-27328990-A-C.
Other names: c.2276T>G, p.Val759Gly (NM_001256053.2); short protein forms V759G, V760G.
Identifiers: ClinVar variation 2629936 (VCV002629936.5), dbSNP rs1247180949, ClinGen allele CA376367472.

ClinVar aggregate classification (germline): Uncertain significance. Review status: criteria provided, multiple submitters, no conflicts (2 of 4 stars). 3 submissions from 3 submitters: Uncertain significance (3). Last evaluated 2025-02-26.

Conditions:
Inborn genetic diseases. Identifiers: MedGen C0950123, MeSH D030342.
ANKRD26-related disorder. Also called: ANKRD26-related condition.

Allele frequency attached by ClinVar (database versions not stated): gnomAD exomes 0.00001.
gnomAD v4.1: 9 of 1,613,418 alleles (0.00056%); highest among the groups gnomAD compares: Non-Finnish European, 0.00068%; no homozygotes.

Submissions (3):

Ambry Genetics
Classification: Uncertain significance for Inborn genetic diseases. Last evaluated: 2025-02-26. Review status: criteria provided, single submitter. Criteria: Ambry Variant Classification Scheme 2023. Collection method: clinical testing. Allele origin: germline.
Comment: The p.V760G variant (also known as c.2279T>G), located in coding exon 21 of the ANKRD26 gene, results from a T to G substitution at nucleotide position 2279. The valine at codon 760 is replaced by glycine, an amino acid with dissimilar properties. This amino acid position is conserved. In addition, this alteration is predicted to be tolerated by in silico analysis. Based on the available evidence, the clinical significance of this variant remains unclear.

Labcorp Genetics (formerly Invitae), Labcorp
Classification: Uncertain significance. Last evaluated: 2023-03-03. Review status: criteria provided, single submitter. Criteria: Invitae Variant Classification Sherloc (09022015). Collection method: clinical testing. Allele origin: germline.
Comment: This sequence change replaces valine, which is neutral and non-polar, with glycine, which is neutral and non-polar, at codon 760 of the ANKRD26 protein (p.Val760Gly). This variant is present in population databases (no rsID available, gnomAD 0.003%). This variant has not been reported in the literature in individuals affected with ANKRD26-related conditions. An algorithm developed to predict the effect of missense changes on protein structure and function (PolyPhen-2) suggests that this variant is likely to be disruptive. Algorithms developed to predict the effect of sequence changes on RNA splicing suggest that this variant may create or strengthen a splice site. In summary, the available evidence is currently insufficient to determine the role of this variant in disease. Therefore, it has been classified as a Variant of Uncertain Significance.

PreventionGenetics, part of Exact Sciences
Classification: Uncertain significance for ANKRD26-related condition. Last evaluated: 2022-12-15. Review status: criteria provided, single submitter. Criteria: ACMG Guidelines, 2015. Collection method: clinical testing. Allele origin: germline.
Comment: The ANKRD26 c.2279T>G variant is predicted to result in the amino acid substitution p.Val760Gly. To our knowledge, this variant has not been reported in the literature. This variant is reported in 0.0033% of alleles in individuals of South Asian descent in gnomAD. At this time, the clinical significance of this variant is uncertain due to the absence of conclusive functional and genetic evidence.